The following is an entry in ClinVar:

ClinVar aggregate classification (germline): Pathogenic (1 of 4 stars; one submission).

Submission:

CeGaT Center for Human Genetics Tuebingen
Classification: Pathogenic. Last evaluated: 2026-06-01. Review status: criteria provided, single submitter. Criteria: CeGaT Center For Human Genetics Tuebingen Variant Classification Criteria Version 2. Collection method: clinical testing. Allele origin: germline. Affected: yes. Observed: 1 variant allele.
Comment: NAA15: PVS1, PM2

NM_057175.5(NAA15):c.908-1G>T

Gene: NAA15 (N-alpha-acetyltransferase 15, NatA auxiliary subunit; plus strand). Cytogenetic location: 4q31.1.
Variant type: single nucleotide variant.
Coding change: c.908-1G>T on transcript NM_057175.5 (MANE Select); the canonical splice acceptor site of the intron before coding-DNA position 908, G replaced by T.
Molecular consequence: splice acceptor variant.
Genome position (GRCh38, 1-based): chr4:139,351,504, G>T. VCF-style: chr4-139351504-G-T. GRCh37 (hg19) VCF-style: chr4-140272658-G-T.
Other names: c.908-1G>T (NM_001410842.1).
Identifiers: ClinVar variation 4875119 (VCV004875119.2).